The following is an entry in ClinVar:

NM_018341.3(ERMARD):c.461A>T (p.Asp154Val)

Gene: ERMARD (ER membrane associated RNA degradation; plus strand). Cytogenetic location: 6q27.
Variant type: single nucleotide variant.
Coding change: c.461A>T on transcript NM_018341.3 (MANE Select); coding-DNA position 461, A replaced by T.
Protein change: p.Asp154Val; replaces aspartic acid 154 with valine.
Molecular consequence: missense variant.
Genome position (GRCh38, 1-based): chr6:169,756,762, A>T. VCF-style: chr6-169756762-A-T. GRCh37 (hg19) VCF-style: chr6-170156858-A-T.
Other names: c.461A>T, p.Asp154Val (NM_001278531.2, NM_001278533.2); c.83A>T, p.Asp28Val (NM_001278532.2, NM_001410957.1); short protein forms D154V, D28V.
Identifiers: ClinVar variation 2798582 (VCV002798582.3), dbSNP rs2537417155, ClinGen allele CA366497864.

ClinVar aggregate classification (germline): Uncertain significance (1 of 4 stars; one submission).

Allele frequency attached by ClinVar (database versions not stated): gnomAD exomes below 0.00001.
gnomAD v4.1: 1 of 1,614,038 alleles (0.000062%); highest among the groups gnomAD compares: Non-Finnish European, 0.000085%; no homozygotes.

Submission:

Labcorp Genetics (formerly Invitae), Labcorp
Classification: Uncertain significance. Last evaluated: 2023-10-13. Review status: criteria provided, single submitter. Criteria: Invitae Variant Classification Sherloc (09022015). Collection method: clinical testing. Allele origin: germline.
Comment: This sequence change replaces aspartic acid, which is acidic and polar, with valine, which is neutral and non-polar, at codon 154 of the ERMARD protein (p.Asp154Val). This variant is not present in population databases (gnomAD no frequency). This variant has not been reported in the literature in individuals affected with ERMARD-related conditions. Advanced modeling of protein sequence and biophysical properties (such as structural, functional, and spatial information, amino acid conservation, physicochemical variation, residue mobility, and thermodynamic stability) performed at Invitae indicates that this missense variant is expected to disrupt ERMARD protein function. In summary, the available evidence is currently insufficient to determine the role of this variant in disease. Therefore, it has been classified as a Variant of Uncertain Significance.